The following is an entry in ClinVar:

NM_001844.5(COL2A1):c.2276G>T (p.Gly759Val)

Gene: COL2A1 (collagen type II alpha 1 chain; minus strand). Cytogenetic location: 12q13.11.
Variant type: single nucleotide variant.
Coding change: c.2276G>T on transcript NM_001844.5 (MANE Select); coding-DNA position 2276, G replaced by T.
Protein change: p.Gly759Val; replaces glycine 759 with valine.
Molecular consequence: missense variant.
Genome position (GRCh38, 1-based): chr12:47,982,527, C>A on the plus strand (G>T on the coding strand, the complement: COL2A1 is on the minus strand). VCF-style: chr12-47982527-C-A. GRCh37 (hg19) VCF-style: chr12-48376310-C-A.
Other names: c.2069G>T, p.Gly690Val (NM_033150.3); short protein forms G690V, G759V.
Identifiers: ClinVar variation 1224396 (VCV001224396.5), dbSNP rs2136548974, ClinGen allele CA384545978.
Genomic context (GRCh38, chr12:47,982,527, plus strand): 5'-CAGCTTTGGTGAGAGGCTGTAACCTCAGTACTTACCCTGTCGCCTTTGGGCCCAGCGATA[C>A]CAGCTGCTCCCCTCTCGCCAGGCATTCCCTGAAGACCTGGAGGGCCCTGAGCCCCAGGGG-3'
Protein context (NP_001835.3, residues 749-769): QGMPGERGAA[Gly759Val]IAGPKGDRGD

ClinVar aggregate classification (germline): Pathogenic/Likely pathogenic. Review status: criteria provided, multiple submitters, no conflicts (2 of 4 stars). 2 submissions from 2 submitters: Pathogenic (1); Likely pathogenic (1). Last evaluated 2022-12-21.

Conditions:
COL2A1-related disorder. Also called: COL2A1-related condition; COL2A1-related disorders.

Submissions (2):

Labcorp Genetics (formerly Invitae), Labcorp
Classification: Pathogenic. Last evaluated: 2022-12-21. Review status: criteria provided, single submitter. Criteria: Invitae Variant Classification Sherloc (09022015). Collection method: clinical testing. Allele origin: germline.
Comment: This variant disrupts the triple helix domain of COL2A1. Glycine residues within the Gly-Xaa-Yaa repeats of the triple helix domain are required for the structure and stability of fibrillar collagens (PMID: 7695699, 8218237, 19344236). In COL2A1, variants affecting these glycine residues are significantly enriched in individuals with disease (PMID: 9016532, 17078022) compared to the general population (ExAC). Advanced modeling of protein sequence and biophysical properties (such as structural, functional, and spatial information, amino acid conservation, physicochemical variation, residue mobility, and thermodynamic stability) performed at Invitae indicates that this missense variant is expected to disrupt COL2A1 protein function. ClinVar contains an entry for this variant (Variation ID: 1224396). This variant disrupts the p.Gly759 amino acid residue in COL2A1. Other variant(s) that disrupt this residue have been observed in individuals with COL2A1-related conditions (PMID: 17347327, 26443184), which suggests that this may be a clinically significant amino acid residue. For these reasons, this variant has been classified as Pathogenic. This variant has not been reported in the literature in individuals affected with COL2A1-related conditions. This variant is not present in population databases (gnomAD no frequency). This sequence change replaces glycine, which is neutral and non-polar, with valine, which is neutral and non-polar, at codon 759 of the COL2A1 protein (p.Gly759Val).

Blueprint Genetics
Classification: Likely pathogenic for COL2A1-related disorders. Last evaluated: 2018-11-25. Review status: criteria provided, single submitter. Criteria: ACMG Guidelines, 2015. Collection method: clinical testing. Allele origin: germline. Affected: yes. Observed: 1 variant allele.

Literature cited by the submitters: PubMed 7695699 (cited by Labcorp Genetics (formerly Invitae), Labcorp); PubMed 8218237 (cited by Labcorp Genetics (formerly Invitae), Labcorp); PubMed 19344236 (cited by Labcorp Genetics (formerly Invitae), Labcorp); PubMed 9016532 (cited by Labcorp Genetics (formerly Invitae), Labcorp); PubMed 17078022 (cited by Labcorp Genetics (formerly Invitae), Labcorp); PubMed 17347327 (cited by Labcorp Genetics (formerly Invitae), Labcorp); PubMed 26443184 (cited by Labcorp Genetics (formerly Invitae), Labcorp).